The following is an entry in ClinVar:

NM_000372.5(TYR):c.230G>T (p.Arg77Leu)

Gene: TYR (tyrosinase; plus strand). Cytogenetic location: 11q14.3.
Variant type: single nucleotide variant.
Coding change: c.230G>T on transcript NM_000372.5 (MANE Select); coding-DNA position 230, G replaced by T.
Protein change: p.Arg77Leu; replaces arginine 77 with leucine.
Molecular consequence: missense variant.
Genome position (GRCh38, 1-based): chr11:89,178,183, G>T. VCF-style: chr11-89178183-G-T. GRCh37 (hg19) VCF-style: chr11-88911351-G-T.
Other names: short protein forms R77L.
Identifiers: ClinVar variation 4536645 (VCV004536645.1).

ClinVar aggregate classification (germline): Uncertain significance (1 of 4 stars; one submission).

Submission:

Women's Health and Genetics/Laboratory Corporation of America, LabCorp
Classification: Uncertain significance. Last evaluated: 2025-11-17. Review status: criteria provided, single submitter. Criteria: LabCorp Variant Classification Summary - May 2015. Collection method: clinical testing. Allele origin: germline.
Comment: Variant summary: TYR c.230G>T (p.Arg77Leu) results in a non-conservative amino acid change in the encoded protein sequence. Algorithms developed to predict the effect of missense changes on protein structure and function all suggest that this variant is likely to be disruptive. The variant was absent in 251030 control chromosomes. To our knowledge, no occurrence of c.230G>T in individuals affected with TYR-related conditions and no experimental evidence demonstrating its impact on protein function have been reported. However, two different variants affecting the same codon have been classified as pathogenic by our lab (c.229C>G, p.Arg77Gly and c.230G>A, p.Arg77Gln), supporting the critical relevance of codon 77 to TYR protein function. No submitters have cited clinical-significance assessments for this variant to ClinVar. Based on the evidence outlined above, the variant was classified as VUS-possibly pathogenic.